The following is an entry in ClinVar:

NC_000007.13:g.(?_143013350)_(143018251_?)del

Gene: CLCN1 (chloride voltage-gated channel 1; plus strand). Cytogenetic location: 7q34.
Variant type: Deletion.
Identifiers: ClinVar variation 2422328 (VCV002422328.4).

ClinVar aggregate classification (germline): Pathogenic (1 of 4 stars; one submission).

Conditions:
Congenital myotonia, autosomal recessive form. Also called: Becker Generalized Myotonia; BECKER DISEASE; myotonia congenita, autosomal recessive. Identifiers: Orphanet 614, MedGen C0751360, MONDO:0009715, OMIM 255700.
Congenital myotonia, autosomal dominant form (THD). Also called: THOMSEN DISEASE; Myotonia congenita autosomal dominant. Identifiers: Orphanet 614, MedGen C2936781, MONDO:0008055, OMIM 160800.

Submission:

Labcorp Genetics (formerly Invitae), Labcorp
Classification: Pathogenic for Congenital myotonia, autosomal recessive form; Congenital myotonia, autosomal dominant form. Last evaluated: 2023-12-19. Review status: criteria provided, single submitter. Criteria: Invitae Variant Classification Sherloc (09022015). Collection method: clinical testing. Allele origin: germline.
Comment: This variant results in the deletion of exons 2-3 and part of exon 1 (c.45_434-207del) of the CLCN1 gene. It is expected to disrupt RNA splicing. Variants that disrupt the donor or acceptor splice site typically lead to a loss of protein function (PMID: 16199547), and loss-of-function variants in CLCN1 are known to be pathogenic (PMID: 17932099, 22094069, 23739125). This variant has not been reported in the literature in individuals affected with CLCN1-related conditions. ClinVar contains an entry for this variant (Variation ID: 580190). This variant disrupts a region of the CLCN1 protein in which other variant(s) (p.Tyr137Asp) have been determined to be pathogenic (PMID: 22094069, 26502825). This suggests that this is a clinically significant region of the protein, and that variants that disrupt it are likely to be disease-causing. For these reasons, this variant has been classified as Pathogenic.

Literature cited by the submitters: PubMed 16199547; PubMed 17932099; PubMed 22094069; PubMed 23739125; PubMed 26502825.